The following is an entry in ClinVar:

NM_006915.3(RP2):c.628G>A (p.Val210Ile)

Gene: RP2 (RP2 activator of ARL3 GTPase; plus strand). Cytogenetic location: Xp11.3.
Variant type: single nucleotide variant.
Coding change: c.628G>A on transcript NM_006915.3 (MANE Select); coding-DNA position 628, G replaced by A.
Protein change: p.Val210Ile; replaces valine 210 with isoleucine.
Molecular consequence: missense variant.
Genome position (GRCh38, 1-based): chrX:46,854,001, G>A. VCF-style: chrX-46854001-G-A. GRCh37 (hg19) VCF-style: chrX-46713436-G-A.
Other names: short protein forms V210I.
Identifiers: ClinVar variation 1302389 (VCV001302389.2), dbSNP rs2147081490, ClinGen allele CA413040363.

ClinVar aggregate classification (germline): Uncertain significance (1 of 4 stars; one submission).

Allele frequency attached by ClinVar (database versions not stated): gnomAD exomes below 0.00001.
gnomAD v4.1: 1 of 1,211,770 alleles (0.000083%); highest among the groups gnomAD compares: Non-Finnish European, 0.00011%; no homozygotes.

Submission:

GeneDx
Classification: Uncertain significance. Last evaluated: 2019-04-26. Review status: criteria provided, single submitter. Criteria: GeneDx Variant Classification Process June 2021. Collection method: clinical testing. Allele origin: germline. Affected: yes.
Comment: Not observed in large population cohorts (Lek et al., 2016); In silico analysis, which includes protein predictors and evolutionary conservation, supports that this variant does not alter protein structure/function; Has not been previously published as pathogenic or benign to our knowledge